The following is an entry in ClinVar:

ClinVar aggregate classification (germline): Pathogenic (1 of 4 stars; one submission).

Conditions:
Marfan syndrome (MFS). Also called: MARFAN SYNDROME, TYPE I; Marfan syndrome type 1; Marfan's syndrome; Marfan syndrome, classic; FBN1-Related Marfan Syndrome. Identifiers: Orphanet 284963, Orphanet 558, MedGen C0024796, MONDO:0007947, OMIM 154700.

Submission:

Victorian Clinical Genetics Services, Murdoch Childrens Research Institute
Classification: Pathogenic for Marfan syndrome. Last evaluated: 2025-05-12. Review status: criteria provided, single submitter. Criteria: ACMG Guidelines, 2015. Collection method: clinical testing. Allele origin: germline. Affected: yes.
Comment: This variant is classified as Pathogenic. Evidence in support of pathogenic classification: Variant is predicted to cause nonsense-mediated decay (NMD) and loss of protein (premature termination codon is located at least 54 nucleotides upstream of the final exon-exon junction); Variant is absent from gnomAD (v2, v3 and v4); This variant has limited previous evidence of pathogenicity in an unrelated individual(s). This variant has been reported in the literature in an individual with aortic dissection (PMID: 34150014). - Other NMD-predicted variant(s) comparable to the one identified in this case have very strong previous evidence for pathogenicity (DECIPHER); Additional information: This variant is heterozygous; This gene is predominantly associated with autosomal dominant disease; autosomal recessive forms of Marfan syndrome have rarely been reported (PMID: 27274304; 31950671); Dominant negative and loss of function are known mechanisms of disease in this gene and are associated with FBN1-related disease. Variants predicted to result in nonsense mediated decay cause loss of function effects, and are more commonly associated with severe Marfan syndrome (MIM#154700). Missense variants with both dominant negative and loss of function effects on protein function, are associated with Marfan syndrome and ectopia lentis (MIM#129600) (OMIM, PMID: 29357934). The exact genotype-phenotype correlation for this gene is still unclear, and is compounded by variable expressivity (PMID: 20301510); Variants in this gene are known to have variable expressivity. The genotype-phenotype correlations for this gene are unclear, with single variants reported in patients with a range of phenotypes (PMID: 20301510, OMIM).

Literature cited by the submitters: PubMed 20301510; PubMed 29357934; PubMed 27274304; PubMed 34150014.

NM_000138.5(FBN1):c.316C>T (p.Gln106Ter)

Gene: FBN1 (fibrillin 1; minus strand). Cytogenetic location: 15q21.1.
Variant type: single nucleotide variant.
Coding change: c.316C>T on transcript NM_000138.5 (MANE Select); coding-DNA position 316, C replaced by T.
Protein change: p.Gln106Ter; replaces glutamine 106 with a stop codon.
Molecular consequence: nonsense.
Genome position (GRCh38, 1-based): chr15:48,610,758, G>A on the plus strand (C>T on the coding strand, the complement: FBN1 is on the minus strand). VCF-style: chr15-48610758-G-A. GRCh37 (hg19) VCF-style: chr15-48902955-G-A.
Other names: c.316C>T, p.Gln106Ter (NM_001406717.1, NM_001406716.1); short protein forms Q106*.
Identifiers: ClinVar variation 4531501 (VCV004531501.1).